The following is an entry in ClinVar:

NM_007129.5(ZIC2):c.1239G>T (p.Lys413Asn)

Gene: ZIC2 (Zic family member 2; plus strand). Cytogenetic location: 13q32.3.
Variant type: single nucleotide variant.
Coding change: c.1239G>T on transcript NM_007129.5 (MANE Select); coding-DNA position 1239, G replaced by T.
Protein change: p.Lys413Asn; replaces lysine 413 with asparagine.
Molecular consequence: missense variant.
Genome position (GRCh38, 1-based): chr13:99,985,109, G>T. VCF-style: chr13-99985109-G-T. GRCh37 (hg19) VCF-style: chr13-100637363-G-T.
Other names: short protein forms K413N.
Identifiers: ClinVar variation 3369755 (VCV003369755.1).
Genomic context (GRCh38, chr13:99,985,109, plus strand): 5'-TCTCTGCAAGATGTGCGACAAGTCCTACACGCACCCCAGCTCGCTGCGGAAGCACATGAA[G>T]GTACCACCGCGGCGGCCGGGAGGAGGGCGAGGCAGGCCGAGGCGCCGGTGCAGCACTGGC-3'
Protein context (NP_009060.2, residues 403-423): THPSSLRKHM[Lys413Asn]VHESSPQGSE

ClinVar aggregate classification (germline): Uncertain significance (1 of 4 stars; one submission).

Submission:

GeneDx
Classification: Uncertain significance. Last evaluated: 2024-02-23. Review status: criteria provided, single submitter. Criteria: GeneDx Variant Classification Process June 2021. Collection method: clinical testing. Allele origin: germline. Affected: yes.
Comment: Not observed at significant frequency in large population cohorts (gnomAD); In silico analysis supports a deleterious effect on splicing; In silico analysis supports that this missense variant has a deleterious effect on protein structure/function; Has not been previously published as pathogenic or benign to our knowledge